The following is an entry in ClinVar:

NM_004463.3(FGD1):c.25G>A (p.Gly9Ser)

Gene: FGD1 (FYVE, RhoGEF and PH domain containing 1; minus strand). Cytogenetic location: Xp11.22.
Variant type: single nucleotide variant.
Coding change: c.25G>A on transcript NM_004463.3 (MANE Select); coding-DNA position 25, G replaced by A.
Protein change: p.Gly9Ser; replaces glycine 9 with serine.
Molecular consequence: missense variant.
Genome position (GRCh38, 1-based): chrX:54,495,408, C>T on the plus strand (G>A on the coding strand, the complement: FGD1 is on the minus strand). VCF-style: chrX-54495408-C-T. GRCh37 (hg19) VCF-style: chrX-54521841-C-T.
Other names: short protein forms G9S.
Identifiers: ClinVar variation 3372186 (VCV003372186.1).
Genomic context (GRCh38, chrX:54,495,408, plus strand): 5'-CCGGCGGAGCGGCGCCCGGCGGGTTCGTGGCCGGGTGTTCGGGCTCCGAAGGCCCGGCGC[C>T]CCCCGGGGCTCGGTGGCCATGCATGGTCCGGGCCTGGGCGCGGGGCCCGAGCTCCCCGCT-3'
Protein context (NP_004454.2, residues 1-19): MHGHRAPG[Gly9Ser]AGPSEPEHPA

ClinVar aggregate classification (germline): Uncertain significance (1 of 4 stars; one submission).

gnomAD v4.1: 1 of 1,098,136 alleles (0.000091%); highest among the groups gnomAD compares: Non-Finnish European, 0.00012%; no homozygotes.

Submission:

GeneDx
Classification: Uncertain significance. Last evaluated: 2024-04-08. Review status: criteria provided, single submitter. Criteria: GeneDx Variant Classification Process June 2021. Collection method: clinical testing. Allele origin: germline. Affected: yes.
Comment: Not observed at significant frequency in large population cohorts (gnomAD); In silico analysis indicates that this missense variant does not alter protein structure/function; Has not been previously published as pathogenic or benign to our knowledge